The following is an entry in ClinVar:

ClinVar aggregate classification (germline): Likely benign. Review status: criteria provided, multiple submitters, no conflicts (2 of 4 stars). 3 submissions from 3 submitters: Likely benign (3). Last evaluated 2024-10-09.

Conditions:
Hereditary cancer-predisposing syndrome. Also called: Hereditary Cancer Syndrome; Hereditary neoplastic syndrome; Neoplastic Syndromes, Hereditary; Tumor predisposition. Identifiers: Orphanet 140162, MedGen C0027672, MeSH D009386, MONDO:0015356.
Familial cancer of breast. Also called: hereditary breast carcinoma; BREAST CANCER, FAMILIAL; Hereditary breast cancer. Identifiers: Orphanet 227535, MedGen C0346153, MONDO:0016419, OMIM 114480. Disease mechanism: loss of function.
Ataxia-telangiectasia syndrome (AT). Also called: Ataxia-telangiectasia, complementation group E; LOUIS-BAR SYNDROME; Cerebello-oculocutaneous telangiectasia; Immunodeficiency with ataxia telangiectasia; Ataxia-telangiectasia, complementation group D; AT, COMPLEMENTATION GROUP C. Identifiers: Orphanet 100, MedGen C0004135, MONDO:0008840, OMIM 208900.

Allele frequency attached by ClinVar (database versions not stated): gnomAD exomes below 0.00001; ExAC 0.00001.
gnomAD v4.1: 3 of 1,586,114 alleles (0.00019%); highest among the groups gnomAD compares: Non-Finnish European, 0.00017%; no homozygotes.

Submissions (3):

Labcorp Genetics (formerly Invitae), Labcorp
Classification: Likely benign for Ataxia-telangiectasia syndrome. Last evaluated: 2024-10-09. Review status: criteria provided, single submitter. Criteria: Invitae Variant Classification Sherloc (09022015). Collection method: clinical testing. Allele origin: germline.

Myriad Genetics, Inc.
Classification: Likely benign for Familial cancer of breast. Last evaluated: 2024-05-17. Review status: criteria provided, single submitter. Criteria: Myriad Autosomal Dominant, Autosomal Recessive and X-Linked Classification Criteria (2023). Collection method: clinical testing. Allele origin: unknown.
Comment: This variant is considered likely benign. This variant is intronic and is not expected to impact mRNA splicing.

Color Diagnostics, LLC DBA Color Health
Classification: Likely benign for Hereditary cancer-predisposing syndrome. Last evaluated: 2018-11-20. Review status: criteria provided, single submitter. Criteria: ACMG Guidelines, 2015. Collection method: clinical testing. Allele origin: germline.

NM_000051.4(ATM):c.4237-19A>G

Gene: ATM (ATM serine/threonine kinase; plus strand). Cytogenetic location: 11q22.3.
Variant type: single nucleotide variant.
Coding change: c.4237-19A>G on transcript NM_000051.4 (MANE Select); 19 bases into the intron before coding-DNA position 4237, A replaced by G.
Molecular consequence: intron variant.
Genome position (GRCh38, 1-based): chr11:108,289,583, A>G. VCF-style: chr11-108289583-A-G. GRCh37 (hg19) VCF-style: chr11-108160310-A-G.
Other names: c.4237-19A>G (NM_001351834.2).
Identifiers: ClinVar variation 918764 (VCV000918764.7), dbSNP rs753311330, ClinGen allele CA6265425.